The following is an entry in ClinVar:

NM_001257180.2(SLC20A2):c.910G>A (p.Gly304Ser)

Gene: SLC20A2 (solute carrier family 20 member 2; minus strand). Cytogenetic location: 8p11.21.
Variant type: single nucleotide variant.
Coding change: c.910G>A on transcript NM_001257180.2 (MANE Select); coding-DNA position 910, G replaced by A.
Protein change: p.Gly304Ser; replaces glycine 304 with serine.
Molecular consequence: missense variant.
Genome position (GRCh38, 1-based): chr8:42,439,474, C>T on the plus strand (G>A on the coding strand, the complement: SLC20A2 is on the minus strand). VCF-style: chr8-42439474-C-T. GRCh37 (hg19) VCF-style: chr8-42296992-C-T.
Other names: p.Gly304Ser; c.910G>A, p.Gly304Ser (NM_001257181.2, NM_006749.5); short protein forms G304S.
Identifiers: ClinVar variation 363080 (VCV000363080.17), dbSNP rs73675069, ClinGen allele CA4733435.

ClinVar aggregate classification (germline): Benign. Review status: criteria provided, multiple submitters, no conflicts (2 of 4 stars). 7 submissions from 7 submitters: Benign (5). 2 of the submissions do not count toward it. Last evaluated 2026-01-27.

Conditions:
Idiopathic basal ganglia calcification 1 (PFBC1A). Also called: Familial Idiopathic Basal Ganglia Calcification 2; Familial Idiopathic Basal Ganglia Calcification 3; Primary Familial Brain Calcification; PRIMARY FAMILIAL BRAIN CALCIFICATION 1A, AUTOSOMAL DOMINANT; Fahr's syndrome; Cerebral calcification nonarteriosclerotic idiopathic adult-onset. Identifiers: Orphanet 1980, MedGen C4551624, MONDO:0024538, OMIM 213600.

Allele frequency attached by ClinVar (database versions not stated): 1000 Genomes Project 0.05212; TOPMed 0.05643; gnomAD exomes 0.01523; gnomAD 0.04988 and 0.05347; 1000 Genomes Project 30x 0.05528; ESP Exome Variant Server 0.05659; ExAC 0.01753.
gnomAD v4.1: 17,900 of 1,613,694 alleles (1.1%); highest among the groups gnomAD compares: African/African-American, 17%; 1,109 homozygotes.

Submissions (7):

Labcorp Genetics (formerly Invitae), Labcorp
Classification: Benign. Last evaluated: 2026-01-27. Review status: criteria provided, single submitter. Criteria: Invitae Variant Classification Sherloc (09022015). Collection method: clinical testing. Allele origin: germline.

Mayo Clinic Laboratories, Mayo Clinic
Classification: Benign. Last evaluated: 2022-03-24. Review status: criteria provided, single submitter. Criteria: ACMG Guidelines, 2015. Collection method: clinical testing. Allele origin: germline. Observed: 14 variant alleles.

GeneDx
Classification: Benign. Last evaluated: 2018-07-17. Review status: criteria provided, single submitter. Criteria: GeneDx Variant Classification Process June 2021. Collection method: clinical testing. Allele origin: germline. Affected: yes.

Illumina Laboratory Services, Illumina
Classification: Benign for Idiopathic basal ganglia calcification 1. Last evaluated: 2018-01-13. Review status: criteria provided, single submitter. Criteria: ICSL Variant Classification Criteria 13 December 2019. Collection method: clinical testing. Allele origin: germline.
Comment: This variant was observed in the ICSL laboratory as part of a predisposition screen in an ostensibly healthy population. It had not been previously curated by ICSL or reported in the Human Gene Mutation Database (HGMD: prior to June 1st, 2018), and was therefore a candidate for classification through an automated scoring system. Utilizing variant allele frequency, disease prevalence and penetrance estimates, and inheritance mode, an automated score was calculated to assess if this variant is too frequent to cause the disease. Based on the score and internal cut-off values, a variant classified as benign is not then subjected to further curation. The score for this variant resulted in a classification of benign for this disease.

Breakthrough Genomics
Classification: Benign. Review status: criteria provided, single submitter. Criteria: ACMG Guidelines, 2015. Collection method: not provided. Allele origin: germline. Inheritance: Autosomal dominant inheritance. Affected: yes.

Genome Diagnostics Laboratory, Amsterdam University Medical Center
Classification: Benign. Review status: no assertion criteria provided. Collection method: clinical testing. Allele origin: germline. Affected: yes. Study: VKGL Data-share Consensus. Not counted in ClinVar's aggregate classification.

Laboratory of Diagnostic Genome Analysis, Leiden University Medical Center (LUMC)
Classification: Likely benign. Review status: no assertion criteria provided. Collection method: clinical testing. Allele origin: germline. Affected: yes. Study: VKGL Data-share Consensus. Not counted in ClinVar's aggregate classification.